The following is an entry in ClinVar:

ClinVar aggregate classification (germline): Uncertain significance (1 of 4 stars; one submission).

Submission:

Ambry Genetics
Classification: Uncertain significance. Last evaluated: 2025-01-23. Review status: criteria provided, single submitter. Criteria: Ambry Variant Classification Scheme 2023. Collection method: clinical testing. Allele origin: germline.
Comment: The p.Q243P variant (also known as c.728A>C), located in coding exon 1 of the TET2 gene, results from an A to C substitution at nucleotide position 728. The glutamine at codon 243 is replaced by proline, an amino acid with similar properties. This amino acid position is conserved. In addition, the in silico prediction for this alteration is inconclusive. Based on the available evidence, the clinical significance of this variant remains unclear.

NM_001127208.3(TET2):c.728A>C (p.Gln243Pro)

Genes: TET2 (tet methylcytosine dioxygenase 2; plus strand), TET2-AS1 (TET2 antisense RNA 1; minus strand). Cytogenetic location: 4q24.
Variant type: single nucleotide variant.
Coding change: c.728A>C on transcript NM_001127208.3 (MANE Select); coding-DNA position 728, A replaced by C.
Protein change: p.Gln243Pro; replaces glutamine 243 with proline.
Molecular consequence: missense variant.
Genome position (GRCh38, 1-based): chr4:105,234,670, A>C. VCF-style: chr4-105234670-A-C. GRCh37 (hg19) VCF-style: chr4-106155827-A-C.
Other names: c.728A>C, p.Gln243Pro (NM_017628.4); short protein forms Q243P.
Identifiers: ClinVar variation 3805996 (VCV003805996.1).
Genomic context (GRCh38, chr4:105,234,670, plus strand): 5'-GTGAACTCCTGGAAAAAACACTGTCTCAATATTATCCAGATTGTGTTTCCATTGCGGTGC[A>C]GAAAACCACATCTCACATAAATGCCATTAACAGTCAGGCTACTAATGAGTTGTCCTGTGA-3'
Protein context (NP_001120680.1, residues 233-253): YYPDCVSIAV[Gln243Pro]KTTSHINAIN